The following is an entry in ClinVar:

ClinVar aggregate classification (germline): Uncertain significance (1 of 4 stars; one submission).

Conditions:
Cardiovascular phenotype. Identifiers: MedGen CN230736.

gnomAD v4.1: 4 of 1,614,164 alleles (0.00025%); highest among the groups gnomAD compares: Non-Finnish European, 0.00034%; no homozygotes.

Submission:

Ambry Genetics
Classification: Uncertain significance for Cardiovascular phenotype. Last evaluated: 2025-01-25. Review status: criteria provided, single submitter. Criteria: Ambry Variant Classification Scheme 2023. Collection method: clinical testing. Allele origin: germline.
Comment: The p.Q314P variant (also known as c.941A>C), located in coding exon 7 of the SPRED1 gene, results from an A to C substitution at nucleotide position 941. The glutamine at codon 314 is replaced by proline, an amino acid with similar properties. This amino acid position is conserved. In addition, this alteration is predicted to be deleterious by in silico analysis. Based on the available evidence, the clinical significance of this variant remains unclear.

NM_152594.3(SPRED1):c.941A>C (p.Gln314Pro)

Gene: SPRED1 (sprouty related EVH1 domain containing 1; plus strand). Cytogenetic location: 15q14.
Variant type: single nucleotide variant.
Coding change: c.941A>C on transcript NM_152594.3 (MANE Select); coding-DNA position 941, A replaced by C.
Protein change: p.Gln314Pro; replaces glutamine 314 with proline.
Molecular consequence: missense variant.
Genome position (GRCh38, 1-based): chr15:38,351,270, A>C. VCF-style: chr15-38351270-A-C. GRCh37 (hg19) VCF-style: chr15-38643471-A-C.
Other names: short protein forms Q314P.
Identifiers: ClinVar variation 3800908 (VCV003800908.1).